The following is an entry in ClinVar:

ClinVar aggregate classification (germline): Uncertain significance. Review status: criteria provided, multiple submitters, no conflicts (2 of 4 stars). 2 submissions from 2 submitters: Uncertain significance (2). Last evaluated 2025-04-24.

gnomAD v4.1: 64 of 1,610,506 alleles (0.004%); highest among the groups gnomAD compares: Non-Finnish European, 0.0047%; no homozygotes.

Submissions (2):

Ambry Genetics
Classification: Uncertain significance. Last evaluated: 2025-04-24. Review status: criteria provided, single submitter. Criteria: Ambry Variant Classification Scheme 2023. Collection method: clinical testing. Allele origin: germline.

Labcorp Genetics (formerly Invitae), Labcorp
Classification: Uncertain significance. Last evaluated: 2025-02-08. Review status: criteria provided, single submitter. Criteria: Invitae Variant Classification Sherloc (09022015). Collection method: clinical testing. Allele origin: germline.
Comment: This sequence change replaces arginine, which is basic and polar, with tryptophan, which is neutral and slightly polar, at codon 778 of the FUK protein (p.Arg778Trp). This variant is present in population databases (rs201319740, gnomAD 0.01%). This variant has not been reported in the literature in individuals affected with FUK-related conditions. An algorithm developed to predict the effect of missense changes on protein structure and function outputs the following: PolyPhen-2: "Benign". The tryptophan amino acid residue is found in multiple mammalian species, which suggests that this missense change does not adversely affect protein function. In summary, the available evidence is currently insufficient to determine the role of this variant in disease. Therefore, it has been classified as a Variant of Uncertain Significance.

NM_145059.3(FCSK):c.2332C>T (p.Arg778Trp)

Gene: FCSK (fucose kinase; plus strand). Cytogenetic location: 16q22.1.
Variant type: single nucleotide variant.
Coding change: c.2332C>T on transcript NM_145059.3 (MANE Select); coding-DNA position 2332, C replaced by T.
Protein change: p.Arg778Trp; replaces arginine 778 with tryptophan.
Molecular consequence: missense variant.
Genome position (GRCh38, 1-based): chr16:70,474,966, C>T. VCF-style: chr16-70474966-C-T. GRCh37 (hg19) VCF-style: chr16-70508869-C-T.
Other names: c.2332C>T (NM_145059.2); short protein forms R778W.
Identifiers: ClinVar variation 4024311 (VCV004024311.2).